The following is an entry in ClinVar:

ClinVar aggregate classification (germline): Uncertain significance (1 of 4 stars; one submission).

Conditions:
Familial thoracic aortic aneurysm and aortic dissection (TAAD). Also called: Thoracic aortic aneurysms and dissections. Identifiers: Orphanet 91387, MedGen C4707243, MONDO:0019625.

gnomAD v4.1: 1 of 1,613,684 alleles (0.000062%); highest among the groups gnomAD compares: Non-Finnish European, 0.000085%; no homozygotes.

Submission:

Ambry Genetics
Classification: Uncertain significance for Familial thoracic aortic aneurysm and aortic dissection. Last evaluated: 2025-12-16. Review status: criteria provided, single submitter. Criteria: Ambry Variant Classification Scheme 2023. Collection method: clinical testing. Allele origin: germline.
Comment: The p.D802H variant (also known as c.2404G>C), located in coding exon 18 of the FBN2 gene, results from a G to C substitution at nucleotide position 2404. The aspartic acid at codon 802 is replaced by histidine, an amino acid with similar properties. This amino acid position is conserved. In addition, this alteration is predicted to be deleterious by in silico analysis. Based on the available evidence, the clinical significance of this variant remains unclear.

NM_001999.4(FBN2):c.2404G>C (p.Asp802His)

Gene: FBN2 (fibrillin 2; minus strand). Cytogenetic location: 5q23.3.
Variant type: single nucleotide variant.
Coding change: c.2404G>C on transcript NM_001999.4 (MANE Select); coding-DNA position 2404, G replaced by C.
Protein change: p.Asp802His; replaces aspartic acid 802 with histidine.
Molecular consequence: missense variant.
Genome position (GRCh38, 1-based): chr5:128,364,624, C>G on the plus strand (G>C on the coding strand, the complement: FBN2 is on the minus strand). VCF-style: chr5-128364624-C-G. GRCh37 (hg19) VCF-style: chr5-127700317-C-G.
Other names: short protein forms D802H.
Identifiers: ClinVar variation 4841626 (VCV004841626.1).
Genomic context (GRCh38, chr5:128,364,624, plus strand): 5'-TGAAATGTTCTTGCATAAATATAACAAATAACTTACCAATACAGTTTCTTCCAGAGGCAT[C>G]TGGTTCATAGCCACTGTTGCAATTACAACGGTAACTACCACGTAAGTTTTCACAAATCCC-3'
Protein context (NP_001990.2, residues 792-812): RCNCNSGYEP[Asp802His]ASGRNCIDID